The following is an entry in ClinVar:

NM_006031.6(PCNT):c.5940C>T (p.Gly1980=)

Gene: PCNT (pericentrin; plus strand). Cytogenetic location: 21q22.3.
Variant type: single nucleotide variant.
Coding change: c.5940C>T on transcript NM_006031.6 (MANE Select); coding-DNA position 5940, C replaced by T.
Protein change: p.Gly1980=; no amino-acid change (glycine 1980 retained).
Molecular consequence: synonymous variant.
Genome position (GRCh38, 1-based): chr21:46,412,013, C>T. VCF-style: chr21-46412013-C-T. GRCh37 (hg19) VCF-style: chr21-47831927-C-T.
Other names: c.5586C>T, p.Gly1862= (NM_001315529.2).
Identifiers: ClinVar variation 211867 (VCV000211867.16), dbSNP rs150436577, ClinGen allele CA207638.
Genomic context (GRCh38, chr21:46,412,013, plus strand): 5'-GGTGCCCGGGGCCCACCCACAGCCTCGCATGGATGGTGGCGCCAAGGCCCAGGTCACCGG[C>T]GACGTGGAGGCCTCCCATGATGCTGCTTTGGAGCCGGTTGTCCCTGACCCACAGGTGGGC-3'
Protein context (NP_006022.3, residues 1970-1990): MDGGAKAQVT[Gly1980=]DVEASHDAAL

ClinVar aggregate classification (germline): Conflicting classifications of pathogenicity. Review status: criteria provided, conflicting classifications (1 of 4 stars). 4 submissions from 4 submitters: Uncertain significance (1); Likely benign (2). 1 of the submissions does not count toward it. Last evaluated 2025-10-12.

Conditions:
PCNT-related disorder. Also called: PCNT-related condition.

Allele frequency attached by ClinVar (database versions not stated): 1000 Genomes Project 30x 0.00016; gnomAD exomes 0.00019 and 0.00021; 1000 Genomes Project 0.00020; gnomAD 0.00021; TOPMed 0.00021; ExAC 0.00023; ESP Exome Variant Server 0.00039.
gnomAD v4.1: 338 of 1,607,498 alleles (0.021%); highest among the groups gnomAD compares: East Asian, 0.098%; no homozygotes.

Submissions (4):

Labcorp Genetics (formerly Invitae), Labcorp
Classification: Likely benign. Last evaluated: 2025-10-12. Review status: criteria provided, single submitter. Criteria: Invitae Variant Classification Sherloc (09022015). Collection method: clinical testing. Allele origin: germline.

GeneDx
Classification: Likely benign. Last evaluated: 2021-01-05. Review status: criteria provided, single submitter. Criteria: GeneDx Variant Classification Process June 2021. Collection method: clinical testing. Allele origin: germline. Affected: yes.

Genetic Services Laboratory, University of Chicago
Classification: Uncertain significance. Last evaluated: 2015-02-12. Review status: criteria provided, single submitter. Criteria: ACMG Guidelines, 2015. Collection method: clinical testing. Allele origin: germline.

PreventionGenetics, part of Exact Sciences
Classification: Likely benign for PCNT-related condition. Last evaluated: 2023-05-31. Review status: no assertion criteria provided. Collection method: clinical testing. Allele origin: germline. Not counted in ClinVar's aggregate classification.
Comment: This variant is classified as likely benign based on ACMG/AMP sequence variant interpretation guidelines (Richards et al. 2015 PMID: 25741868, with internal and published modifications).